The following is an entry in ClinVar:

ClinVar aggregate classification (germline): Conflicting classifications of pathogenicity. Review status: criteria provided, conflicting classifications (1 of 4 stars). 5 submissions from 5 submitters: Uncertain significance (3); Likely benign (1). 1 of the submissions does not count toward it. Last evaluated 2025-10-09.

Conditions:
POLE-related disorder. Also called: POLE-related disorders; POLE-related condition.
Hereditary cancer-predisposing syndrome. Also called: Hereditary Cancer Syndrome; Hereditary neoplastic syndrome; Neoplastic Syndromes, Hereditary; Tumor predisposition. Identifiers: Orphanet 140162, MedGen C0027672, MeSH D009386, MONDO:0015356.
Colorectal cancer, susceptibility to, 12 (CRCS12). Also called: COLORECTAL CANCER, SUSCEPTIBILITY TO, ON CHROMOSOME 12q24. Identifiers: Orphanet 220460, MedGen C3554460, MONDO:0014038, OMIM 615083.

Allele frequency attached by ClinVar (database versions not stated): gnomAD exomes below 0.00001; gnomAD 0.00001; TOPMed 0.00001.
gnomAD v4.1: 6 of 1,610,626 alleles (0.00037%); highest among the groups gnomAD compares: Non-Finnish European, 0.00051%; no homozygotes.

Submissions (5):

Labcorp Genetics (formerly Invitae), Labcorp
Classification: Uncertain significance. Last evaluated: 2025-10-09. Review status: criteria provided, single submitter. Criteria: Invitae Variant Classification Sherloc (09022015). Collection method: clinical testing. Allele origin: germline.
Comment: This sequence change replaces aspartic acid, which is acidic and polar, with asparagine, which is neutral and polar, at codon 301 of the POLE protein (p.Asp301Asn). This variant is not present in population databases (gnomAD no frequency). This variant has not been reported in the literature in individuals affected with POLE-related conditions. ClinVar contains an entry for this variant (Variation ID: 405876). Invitae Evidence Modeling of protein sequence and biophysical properties (such as structural, functional, and spatial information, amino acid conservation, physicochemical variation, residue mobility, and thermodynamic stability) indicates that this missense variant is not expected to disrupt POLE protein function with a negative predictive value of 80%. In summary, the available evidence is currently insufficient to determine the role of this variant in disease. Therefore, it has been classified as a Variant of Uncertain Significance.

GeneDx
Classification: Uncertain significance. Last evaluated: 2025-05-08. Review status: criteria provided, single submitter. Criteria: GeneDx Variant Classification Process June 2021. Collection method: clinical testing. Allele origin: germline. Affected: yes.
Comment: Not observed at significant frequency in large population cohorts (gnomAD); In silico analysis supports that this missense variant has a deleterious effect on protein structure/function; Has not been previously published as pathogenic or benign to our knowledge; This variant is associated with the following publications: (PMID: 20951805)

Ambry Genetics
Classification: Likely benign for Hereditary cancer-predisposing syndrome. Last evaluated: 2024-05-06. Review status: criteria provided, single submitter. Criteria: Ambry Variant Classification Scheme 2023. Collection method: clinical testing. Allele origin: germline.

Baylor Genetics
Classification: Uncertain significance for Colorectal cancer, susceptibility to, 12. Last evaluated: 2024-02-02. Review status: criteria provided, single submitter. Criteria: ACMG Guidelines, 2015. Collection method: clinical testing. Allele origin: unknown.

PreventionGenetics, part of Exact Sciences
Classification: Uncertain significance for POLE-related condition. Last evaluated: 2024-06-03. Review status: no assertion criteria provided. Collection method: clinical testing. Allele origin: germline. Not counted in ClinVar's aggregate classification.
Comment: The POLE c.901G>A variant is predicted to result in the amino acid substitution p.Asp301Asn. This variant has been reported in a study of patients with colorectal cancer; however, no specific details were provided regarding the pathogenicity of the variant (Table 2, Stenzinger et al. 2014. PubMed ID: 25124163). This variant has also been reported as a somatic change in a colorectal tumor specimen (Guerra et al. 2017. PubMed ID: 29072370). This variant has not been reported in a large population database, indicating this variant is rare. This variant is interpreted as uncertain in ClinVar. At this time, the clinical significance of this variant is uncertain due to the absence of conclusive functional and genetic evidence.

NM_006231.4(POLE):c.901G>A (p.Asp301Asn)

Gene: POLE (DNA polymerase epsilon, catalytic subunit; minus strand). Cytogenetic location: 12q24.33.
Variant type: single nucleotide variant.
Coding change: c.901G>A on transcript NM_006231.4 (MANE Select); coding-DNA position 901, G replaced by A.
Protein change: p.Asp301Asn; replaces aspartic acid 301 with asparagine.
Molecular consequence: missense variant.
Genome position (GRCh38, 1-based): chr12:132,676,554, C>T on the plus strand (G>A on the coding strand, the complement: POLE is on the minus strand). VCF-style: chr12-132676554-C-T. GRCh37 (hg19) VCF-style: chr12-133253140-C-T.
Other names: short protein forms D301N.
Identifiers: ClinVar variation 405876 (VCV000405876.20), dbSNP rs1060500882, ClinGen allele CA16613660.